The following is an entry in ClinVar:

ClinVar aggregate classification (germline): Benign (1 of 4 stars; one submission).

Allele frequency attached by ClinVar (database versions not stated): TOPMed 0.20932; gnomAD 0.21370 and 0.21901; 1000 Genomes Project 30x 0.22876; 1000 Genomes Project 0.23642.
gnomAD v4.1: 33,283 of 152,200 alleles (22%); highest among the groups gnomAD compares: East Asian, 46%; 4,423 homozygotes.

Submission:

GeneDx
Classification: Benign. Last evaluated: 2018-06-15. Review status: criteria provided, single submitter. Criteria: GeneDx Variant Classification (06012015). Collection method: clinical testing. Allele origin: germline. Affected: yes.
Comment: This variant is considered likely benign or benign based on one or more of the following criteria: it is a conservative change, it occurs at a poorly conserved position in the protein, it is predicted to be benign by multiple in silico algorithms, and/or has population frequency not consistent with disease.

NM_001943.5(DSG2):c.2001+244G>C

Gene: DSG2 (desmoglein 2; plus strand). Cytogenetic location: 18q12.1.
Variant type: single nucleotide variant.
Coding change: c.2001+244G>C on transcript NM_001943.5 (MANE Select); 244 bases into the intron after coding-DNA position 2001, G replaced by C.
Molecular consequence: intron variant.
Genome position (GRCh38, 1-based): chr18:31,541,558, G>C. VCF-style: chr18-31541558-G-C. GRCh37 (hg19) VCF-style: chr18-29121521-G-C.
Identifiers: ClinVar variation 678480 (VCV000678480.1), dbSNP rs2290129, ClinGen allele CA297699801.